The following is an entry in ClinVar:

ClinVar aggregate classification (germline): Uncertain significance (1 of 4 stars; one submission).

Conditions:
X-linked Emery-Dreifuss muscular dystrophy. Also called: Muscular dystrophy, tardive Emery-Dreifuss type, with contractures. Identifiers: Orphanet 261, Orphanet 98863, MedGen C0751337, MONDO:0010680.

Submission:

Labcorp Genetics (formerly Invitae), Labcorp
Classification: Uncertain significance for X-linked Emery-Dreifuss muscular dystrophy. Last evaluated: 2024-03-31. Review status: criteria provided, single submitter. Criteria: Invitae Variant Classification Sherloc (09022015). Collection method: clinical testing. Allele origin: germline.
Comment: This sequence change replaces isoleucine, which is neutral and non-polar, with serine, which is neutral and polar, at codon 242 of the EMD protein (p.Ile242Ser). This variant is not present in population databases (gnomAD no frequency). This variant has not been reported in the literature in individuals affected with EMD-related conditions. ClinVar contains an entry for this variant (Variation ID: 947134). Advanced modeling of protein sequence and biophysical properties (such as structural, functional, and spatial information, amino acid conservation, physicochemical variation, residue mobility, and thermodynamic stability) performed at Invitae indicates that this missense variant is not expected to disrupt EMD protein function with a negative predictive value of 80%. In summary, the available evidence is currently insufficient to determine the role of this variant in disease. Therefore, it has been classified as a Variant of Uncertain Significance.

NM_000117.3(EMD):c.725T>G (p.Ile242Ser)

Gene: EMD (emerin; plus strand). Cytogenetic location: Xq28.
Variant type: single nucleotide variant.
Coding change: c.725T>G on transcript NM_000117.3 (MANE Select); coding-DNA position 725, T replaced by G.
Protein change: p.Ile242Ser; replaces isoleucine 242 with serine.
Molecular consequence: missense variant.
Genome position (GRCh38, 1-based): chrX:154,381,157, T>G. VCF-style: chrX-154381157-T-G. GRCh37 (hg19) VCF-style: chrX-153609517-T-G.
Other names: short protein forms I242S.
Identifiers: ClinVar variation 947134 (VCV000947134.9), dbSNP rs2067886717, ClinGen allele CA415259392.